The following is an entry in ClinVar:

ClinVar aggregate classification (germline): Uncertain significance (1 of 4 stars; one submission).

Conditions:
Spermatogenic failure 18. Identifiers: MedGen C4539783, MONDO:0054615, OMIM 617576.
Ciliary dyskinesia, primary, 37 (CILD37). Also called: CILIARY DYSKINESIA, PRIMARY, 37, WITH OR WITHOUT SITUS INVERSUS. Identifiers: MedGen C4539798, MONDO:0033204, OMIM 617577.

Allele frequency attached by ClinVar (database versions not stated): gnomAD exomes below 0.00001 and 0.00001; gnomAD 0.00001; TOPMed 0.00001.

Submission:

Labcorp Genetics (formerly Invitae), Labcorp
Classification: Uncertain significance for Ciliary dyskinesia, primary, 37; Spermatogenic failure 18. Last evaluated: 2023-10-09. Review status: criteria provided, single submitter. Criteria: Invitae Variant Classification Sherloc (09022015). Collection method: clinical testing. Allele origin: germline.
Comment: This sequence change replaces methionine, which is neutral and non-polar, with valine, which is neutral and non-polar, at codon 1706 of the DNAH1 protein (p.Met1706Val). This variant is present in population databases (no rsID available, gnomAD 0.0009%). This variant has not been reported in the literature in individuals affected with DNAH1-related conditions. ClinVar contains an entry for this variant (Variation ID: 1392436). Advanced modeling of protein sequence and biophysical properties (such as structural, functional, and spatial information, amino acid conservation, physicochemical variation, residue mobility, and thermodynamic stability) performed at Invitae indicates that this missense variant is not expected to disrupt DNAH1 protein function. In summary, the available evidence is currently insufficient to determine the role of this variant in disease. Therefore, it has been classified as a Variant of Uncertain Significance.

NM_015512.5(DNAH1):c.5116A>G (p.Met1706Val)

Gene: DNAH1 (dynein axonemal heavy chain 1; plus strand). Cytogenetic location: 3p21.1.
Variant type: single nucleotide variant.
Coding change: c.5116A>G on transcript NM_015512.5 (MANE Select); coding-DNA position 5116, A replaced by G.
Protein change: p.Met1706Val; replaces methionine 1706 with valine.
Molecular consequence: missense variant.
Genome position (GRCh38, 1-based): chr3:52,363,016, A>G. VCF-style: chr3-52363016-A-G. GRCh37 (hg19) VCF-style: chr3-52397032-A-G.
Other names: short protein forms M1706V.
Identifiers: ClinVar variation 1392436 (VCV001392436.6), dbSNP rs1303254929, ClinGen allele CA353139167.